The following is an entry in ClinVar:

ClinVar aggregate classification (germline): Uncertain significance (1 of 4 stars; one submission).

Conditions:
Complex neurodevelopmental disorder. Identifiers: Orphanet 528084, MedGen C5568766, MONDO:0100038.

Submission:

Dasa
Classification: Uncertain significance for Complex neurodevelopmental disorder. Last evaluated: 2025-10-12. Review status: criteria provided, single submitter. Criteria: DASA Assertion Criteria. Collection method: clinical testing. Allele origin: germline.
Comment: NM_016284.5(CNOT1):c.6346G>A (p.Gly2116Arg) is a missense variant that results in the substitution of glycine with arginine. This variant is absent from population databases. The currently available literature and clinical evidence are not sufficient to establish a definitive association between this variant and the reported condition. Therefore, this variant is classified as a variant of uncertain significance.

NM_016284.5(CNOT1):c.6346G>A (p.Gly2116Arg)

Gene: CNOT1 (CCR4-NOT transcription complex subunit 1; minus strand). Cytogenetic location: 16q21.
Variant type: single nucleotide variant.
Coding change: c.6346G>A on transcript NM_016284.5 (MANE Select); coding-DNA position 6346, G replaced by A.
Protein change: p.Gly2116Arg; replaces glycine 2116 with arginine.
Molecular consequence: missense variant. On other transcripts: non-coding transcript variant (1).
Genome position (GRCh38, 1-based): chr16:58,528,582, C>T on the plus strand (G>A on the coding strand, the complement: CNOT1 is on the minus strand). VCF-style: chr16-58528582-C-T. GRCh37 (hg19) VCF-style: chr16-58562486-C-T.
Other names: c.6331G>A, p.Gly2111Arg (NM_001265612.2); short protein forms G2111R, G2116R.
Identifiers: ClinVar variation 4883257 (VCV004883257.2).
Genomic context (GRCh38, chr16:58,528,582, plus strand): 5'-AGGCACTCAGGATCAAATTTCTTAACTGGATACAATTAGGTGGGATCACATCACAGAACC[C>T]ATAATGGTAATCACAAAGGAACTCTGGGAAATCATGCAAAAGAACCAGCAGCACTCTTAA-3'
Protein context (NP_057368.3, residues 2106-2126): FPEFLCDYHY[Gly2116Arg]FCDVIPPNCI